The following is an entry in ClinVar:

ClinVar aggregate classification (germline): Uncertain significance (1 of 4 stars; one submission).

Submission:

Labcorp Genetics (formerly Invitae), Labcorp
Classification: Uncertain significance. Last evaluated: 2026-01-18. Review status: criteria provided, single submitter. Criteria: Invitae Variant Classification Sherloc (09022015). Collection method: clinical testing. Allele origin: germline.
Comment: This variant, c.267_269del, results in the deletion of 1 amino acid(s) of the DTHD1 protein (p.Ile89del), but otherwise preserves the integrity of the reading frame. This variant is present in population databases (rs763764935, gnomAD 0.03%). This variant has not been reported in the literature in individuals affected with DTHD1-related conditions. ClinVar contains an entry for this variant (Variation ID: 852308). Experimental studies and prediction algorithms are not available or were not evaluated, and the functional significance of this variant is currently unknown. In summary, the available evidence is currently insufficient to determine the role of this variant in disease. Therefore, it has been classified as a Variant of Uncertain Significance.

NM_001170700.3(DTHD1):c.1137_1139del (p.Ile379del)

Gene: DTHD1 (death domain containing 1; plus strand). Cytogenetic location: 4p14.
Variant type: Deletion.
Coding change: c.1137_1139del on transcript NM_001170700.3 (MANE Select); coding-DNA positions 1137 to 1139, 3 bases deleted (CAT; older notation c.1137_1139delCAT).
Protein change: p.Ile379del; deletes isoleucine 379.
Molecular consequence: inframe deletion. On other transcripts: non-coding transcript variant (2).
Genome position (GRCh38, 1-based): chr4:36,290,622-36,290,624, CAT deleted; deleting any 3 consecutive bases within chr4:36,290,620-36,290,624 gives the same sequence; the c. name uses the placement nearest the transcript's 3' end. VCF-style (leftmost placement, unchanged base first): chr4-36290619-TATC-T. GRCh37 (hg19) VCF-style: chr4-36292241-TATC-T.
Other names: c.267_269del, p.Ile89del (NM_001136536.5, NM_001378435.1); short protein forms I379del, I89del.
Identifiers: ClinVar variation 852308 (VCV000852308.7), dbSNP rs763764935, ClinGen allele CA2885611.
Genomic context (GRCh38, chr4:36,290,619, plus strand): 5'-TCCATTTCCAATAGGCATTGCAATTCCATTTACTGCACGTTACAGAGGAAATTACAGAGA[TATC>T]ATGGTGAAAGTGTGTGACATAAACCTTCAATCAAGTTACCTAAACCCAAATTCACTAGAA-3'